The following is an entry in ClinVar:

ClinVar aggregate classification (germline): Pathogenic/Likely pathogenic. Review status: criteria provided, multiple submitters, no conflicts (2 of 4 stars). 2 submissions from 2 submitters: Pathogenic (1); Likely pathogenic (1). Last evaluated 2024-04-19.

Conditions:
Sjögren-Larsson syndrome (SLS). Also called: FALDH DEFICIENCY; FATTY ALCOHOL:NAD+ OXIDOREDUCTASE DEFICIENCY; FATTY ALDEHYDE DEHYDROGENASE DEFICIENCY; ICHTHYOSIS, SPASTIC NEUROLOGIC DISORDER, AND OLIGOPHRENIA. Identifiers: Orphanet 816, MedGen C0037231, MONDO:0010031, OMIM 270200.

Submissions (2):

Fulgent Genetics
Classification: Likely pathogenic for Sjögren-Larsson syndrome. Last evaluated: 2024-04-19. Review status: criteria provided, single submitter. Criteria: ACMG Guidelines, 2015. Collection method: clinical testing. Allele origin: germline.

Labcorp Genetics (formerly Invitae), Labcorp
Classification: Pathogenic. Last evaluated: 2021-06-03. Review status: criteria provided, single submitter. Criteria: Invitae Variant Classification Sherloc (09022015). Collection method: clinical testing. Allele origin: germline.
Comment: This sequence change creates a premature translational stop signal (p.Ser380Valfs*48) in the ALDH3A2 gene. It is expected to result in an absent or disrupted protein product. Loss-of-function variants in ALDH3A2 are known to be pathogenic (PMID: 10577908, 10854114). This variant is not present in population databases (ExAC no frequency). This variant has not been reported in the literature in individuals with ALDH3A2-related conditions. For these reasons, this variant has been classified as Pathogenic.

Literature cited by the submitters: PubMed 10577908 (cited by Labcorp Genetics (formerly Invitae), Labcorp); PubMed 10854114 (cited by Labcorp Genetics (formerly Invitae), Labcorp).

NM_000382.3(ALDH3A2):c.1137del (p.Ser380fs)

Gene: ALDH3A2 (aldehyde dehydrogenase 3 family member A2; plus strand). Cytogenetic location: 17p11.2.
Variant type: Deletion.
Coding change: c.1137del on transcript NM_000382.3 (MANE Select); coding-DNA position 1137, one base deleted (C; older notation c.1137delC).
Protein change: p.Ser380fs; shifts the reading frame from serine 380.
Molecular consequence: frameshift variant.
Genome position (GRCh38, 1-based): chr17:19,664,977, C deleted; the last of 2 consecutive C bases (chr17:19,664,976-19,664,977); deleting either gives the same sequence. VCF-style (leftmost placement, unchanged base first): chr17-19664975-TC-T. GRCh37 (hg19) VCF-style: chr17-19568288-TC-T.
Other names: c.1137del, p.Ser380fs (NM_001031806.2, NM_001369136.1, NM_001369137.2 and 3 more transcripts); c.558del, p.Ser187fs (NM_001369148.2); short protein forms S187fs, S380fs.
Identifiers: ClinVar variation 1403786 (VCV001403786.7), dbSNP rs2152331147, ClinGen allele CA2573153154.
Genomic context (GRCh38, chr17:19,664,975, plus strand): 5'-TCACTGACCTGGACACCTTTGGTCTGTCCTCAGCTCATCAAACGGATGATTGATGAGACA[TC>T]CAGTGGAGGTGTCACAGGCAATGACGTCATTATGCACTTCACGCTCAACTCTTTCCCATT-3'